The following is an entry in ClinVar:

NM_033380.3(COL4A5):c.2135C>G (p.Pro712Arg)

Gene: COL4A5 (collagen type IV alpha 5 chain; plus strand). Cytogenetic location: Xq22.3.
Variant type: single nucleotide variant.
Coding change: c.2135C>G on transcript NM_033380.3 (MANE Select); coding-DNA position 2135, C replaced by G.
Protein change: p.Pro712Arg; replaces proline 712 with arginine.
Molecular consequence: missense variant.
Genome position (GRCh38, 1-based): chrX:108,601,978, C>G. VCF-style: chrX-108601978-C-G. GRCh37 (hg19) VCF-style: chrX-107845208-C-G.
Other names: c.2135C>G, p.Pro712Arg (NM_000495.5); short protein forms P712R.
Identifiers: ClinVar variation 2504191 (VCV002504191.3), dbSNP rs2524329006, ClinGen allele CA413847082.

ClinVar aggregate classification (germline): Uncertain significance. Review status: criteria provided, multiple submitters, no conflicts (2 of 4 stars). 2 submissions from 2 submitters: Uncertain significance (2). Last evaluated 2024-02-12.

Allele frequency attached by ClinVar (database versions not stated): gnomAD exomes below 0.00001.
gnomAD v4.1: 1 of 1,089,814 alleles (0.000092%); highest among the groups gnomAD compares: Non-Finnish European, 0.00013%; no homozygotes.

Submissions (2):

Labcorp Genetics (formerly Invitae), Labcorp
Classification: Uncertain significance. Last evaluated: 2024-02-12. Review status: criteria provided, single submitter. Criteria: Invitae Variant Classification Sherloc (09022015). Collection method: clinical testing. Allele origin: germline.
Comment: This sequence change replaces proline, which is neutral and non-polar, with arginine, which is basic and polar, at codon 712 of the COL4A5 protein (p.Pro712Arg). This variant is not present in population databases (gnomAD no frequency). This variant has not been reported in the literature in individuals affected with COL4A5-related conditions. ClinVar contains an entry for this variant (Variation ID: 2504191). Advanced modeling of protein sequence and biophysical properties (such as structural, functional, and spatial information, amino acid conservation, physicochemical variation, residue mobility, and thermodynamic stability) has been performed at Invitae for this missense variant, however the output from this modeling did not meet the statistical confidence thresholds required to predict the impact of this variant on COL4A5 protein function. In summary, the available evidence is currently insufficient to determine the role of this variant in disease. Therefore, it has been classified as a Variant of Uncertain Significance.

GeneDx
Classification: Uncertain significance. Last evaluated: 2022-12-01. Review status: criteria provided, single submitter. Criteria: GeneDx Variant Classification Process June 2021. Collection method: clinical testing. Allele origin: germline. Affected: yes.
Comment: Not observed at significant frequency in large population cohorts (gnomAD); In silico analysis supports that this missense variant has a deleterious effect on protein structure/function; Has not been previously published as pathogenic or benign to our knowledge; Occurs in the triple helical domain at the Y position in the canonical Gly-X-Y repeat; although this variant may have an effect on normal protein folding and function, missense substitution at the Y position is not a common mechanism of disease